The following is an entry in ClinVar:

ClinVar aggregate classification (germline): Likely benign (0 of 4 stars; one submission).

Conditions:
AXL-related disorder. Also called: AXL-related condition.

Allele frequency attached by ClinVar (database versions not stated): gnomAD 0.00001.
gnomAD v4.1: 1 of 1,613,538 alleles (0.000062%); highest among the groups gnomAD compares: African/African-American, 0.0013%; no homozygotes.

Submission:

PreventionGenetics, part of Exact Sciences
Classification: Likely benign for AXL-related condition. Last evaluated: 2019-04-11. Review status: no assertion criteria provided. Collection method: clinical testing. Allele origin: germline.
Comment: This variant is classified as likely benign based on ACMG/AMP sequence variant interpretation guidelines (Richards et al. 2015 PMID: 25741868, with internal and published modifications).

NM_021913.5(AXL):c.1092G>A (p.Leu364=)

Gene: AXL (AXL receptor tyrosine kinase; plus strand). Cytogenetic location: 19q13.2.
Variant type: single nucleotide variant.
Coding change: c.1092G>A on transcript NM_021913.5 (MANE Select); coding-DNA position 1092, G replaced by A.
Protein change: p.Leu364=; no amino-acid change (leucine 364 retained).
Molecular consequence: synonymous variant.
Genome position (GRCh38, 1-based): chr19:41,238,567, G>A. VCF-style: chr19-41238567-G-A. GRCh37 (hg19) VCF-style: chr19-41744472-G-A.
Other names: c.288G>A, p.Leu96= (NM_001278599.2); c.1092G>A, p.Leu364= (NM_001699.6).
Identifiers: ClinVar variation 3047175 (VCV003047175.2), dbSNP rs2034125031, ClinGen allele CA507553696.